The following is an entry in ClinVar:

NM_183050.4(BCKDHB):c.641T>A (p.Ile214Lys)

Gene: BCKDHB (branched chain keto acid dehydrogenase E1 subunit beta; plus strand). Cytogenetic location: 6q14.1.
Variant type: single nucleotide variant.
Coding change: c.641T>A on transcript NM_183050.4 (MANE Select); coding-DNA position 641, T replaced by A.
Protein change: p.Ile214Lys; replaces isoleucine 214 with lysine.
Molecular consequence: missense variant. On other transcripts: non-coding transcript variant (1).
Genome position (GRCh38, 1-based): chr6:80,171,289, T>A. VCF-style: chr6-80171289-T-A. GRCh37 (hg19) VCF-style: chr6-80881006-T-A.
Other names: c.641T>A, p.Ile214Lys (NM_000056.5); c.431T>A, p.Ile144Lys (NM_001318975.1); c.641T>A (NM_183050.3); short protein forms I214K, I144K.
Identifiers: ClinVar variation 1487606 (VCV001487606.13), dbSNP rs796051940, ClinGen allele CA312368.

ClinVar aggregate classification (germline): Pathogenic. Review status: criteria provided, multiple submitters, no conflicts (2 of 4 stars). 7 submissions from 7 submitters: Pathogenic (7). Last evaluated 2026-08-06.

Conditions:
Maple syrup urine disease type 1A (MSUD1A). Also called: MSUD type 1A. Identifiers: MedGen C1855369, MONDO:0023691, OMIM 248600.
Maple syrup urine disease type 1B (MSUD1B). Also called: MSUD type IB; MSUD type 3 (formerly); MSUD due to deficiency of e1-beta subunit of branched-chain alpha-keto acid dehydrogenase complex. Identifiers: MedGen C2930990, MONDO:0023692, OMIM 620698.
Maple syrup urine disease (MSUD). Identifiers: Orphanet 511, MedGen C0024776, MeSH D008375, MONDO:0009563. Disease mechanism: loss of function.

Allele frequency attached by ClinVar (database versions not stated): gnomAD 0.00001.
gnomAD v4.1: 7 of 1,606,074 alleles (0.00044%); highest among the groups gnomAD compares: Admixed American, 0.0017%; no homozygotes.

Submissions (7):

OLLIN Analises Genomicas, OLLIN
Classification: Pathogenic. Last evaluated: 2026-08-06. Review status: criteria provided, single submitter. Criteria: ACMG Guidelines 2015 PMID 25741868. Collection method: clinical testing. Allele origin: germline.
Comment: This missense variant, located in exon 6 (of 10), has been reported in ClinVar (accession VCV001487606.12), in gnomAD with an allele frequency of 0.00044%, and in the scientific literature, in compound heterozygosity, in individuals with BCKDHB related disorders (PMID: 33955723). In silico analysis predicts that this variant has a deleterious effect. According to the currently available evidence, this variant has been classified as pathogenic (PM2_P, PM3_VS, PP3_M).

Labcorp Genetics (formerly Invitae), Labcorp
Classification: Pathogenic for Maple syrup urine disease. Last evaluated: 2026-01-06. Review status: criteria provided, single submitter. Criteria: Invitae Variant Classification Sherloc (09022015). Collection method: clinical testing. Allele origin: germline.
Comment: This sequence change replaces isoleucine, which is neutral and non-polar, with lysine, which is basic and polar, at codon 214 of the BCKDHB protein (p.Ile214Lys). This variant is present in population databases (rs796051940, gnomAD 0.007%). This missense change has been observed in individual(s) with BCKDHB-related conditions (PMID: 16786533, 26232051, 31980395, 33955723). ClinVar contains an entry for this variant (Variation ID: 1487606). Invitae Evidence Modeling of protein sequence and biophysical properties (such as structural, functional, and spatial information, amino acid conservation, physicochemical variation, residue mobility, and thermodynamic stability) indicates that this missense variant is expected to disrupt BCKDHB protein function with a positive predictive value of 80%. For these reasons, this variant has been classified as Pathogenic.

Dasa
Classification: Pathogenic. Last evaluated: 2025-12-10. Review status: criteria provided, single submitter. Criteria: DASA Assertion Criteria. Collection method: clinical testing. Allele origin: germline.
Comment: NM_183050.4(BCKDHB):c.641T>A (p.Ile214Lys) is a missense variant that results in the substitution of isoleucine with lysine. This variant has been observed in affected individuals with related phenotype in a genotype context consistent with recessive disease (PMID: 33955723; PMID: 26232051). This variant has been recurrently observed in individuals with related phenotype (PMID: 33955723; PMID: 26232051). Multiple computational predictions support a deleterious effect on the gene or gene product. The variant is present at low frequency in population datasets. Based on the available data, this variant is classified as pathogenic.

Natera, Inc.
Classification: Pathogenic for Maple syrup urine disease type 1B. Last evaluated: 2025-08-08. Review status: criteria provided, single submitter. Criteria: Natera Variant Classification Schema (03/2026). Collection method: clinical testing. Allele origin: germline.
Comment: The c.641T>A variant in BCKDHB is a missense variant predicted to cause substitution of isoleucine to lysine at amino acid 214. This variant is rare in the general population with a frequency below the threshold expected for the associated phenotype(s). This variant has been observed in one or more individuals affected with the associated recessive disease, as either homozygous or compound heterozygous with a second variant (PMID: 33955723, 31980395). Computational prediction algorithms indicate this variant is likely to affect gene or protein function. Given the available evidence, this variant is classified as Pathogenic.

Fulgent Genetics
Classification: Pathogenic for Maple syrup urine disease type 1B. Last evaluated: 2024-04-03. Review status: criteria provided, single submitter. Criteria: ACMG Guidelines, 2015. Collection method: clinical testing. Allele origin: germline.

Women's Health and Genetics/Laboratory Corporation of America, LabCorp
Classification: Pathogenic for Maple syrup urine disease. Last evaluated: 2024-04-01. Review status: criteria provided, single submitter. Criteria: LabCorp Variant Classification Summary - May 2015. Collection method: clinical testing. Allele origin: germline.
Comment: Variant summary: BCKDHB c.641T>A (p.Ile214Lys) results in a non-conservative amino acid change located in the Transketolase-like, pyrimidine-binding domain (IPR005475) of the encoded protein sequence. Five of five in-silico tools predict a damaging effect of the variant on protein function. The variant was absent in 249818 control chromosomes (gnomAD). c.641T>A has been reported in the literature in multiple individuals affected with Maple Syrup Urine Disease (e.g. Campanholi_2021). These data indicate that the variant is very likely to be associated with disease. The following publication has been ascertained in the context of this evaluation (PMID: 33955723). ClinVar contains an entry for this variant (Variation ID: 1487606). Based on the evidence outlined above, the variant was classified as pathogenic.

Baylor Genetics
Classification: Pathogenic for Maple syrup urine disease type 1A. Last evaluated: 2024-01-18. Review status: criteria provided, single submitter. Criteria: ACMG Guidelines, 2015. Collection method: clinical testing. Allele origin: unknown.

Literature cited by the submitters: PubMed 33955723 (cited by 5 submitters); PubMed 16786533 (cited by Labcorp Genetics (formerly Invitae), Labcorp); PubMed 26232051 (cited by Labcorp Genetics (formerly Invitae), Labcorp and Dasa); PubMed 31980395 (cited by Labcorp Genetics (formerly Invitae), Labcorp and Natera, Inc.).